The following is an entry in ClinVar:

ClinVar aggregate classification (germline): Uncertain significance (1 of 4 stars; one submission).

Conditions:
Seizures, benign familial infantile, 3 (BFIS3). Also called: CONVULSIONS, BENIGN FAMILIAL INFANTILE, 3; Familial neonatal seizures. Identifiers: Orphanet 140927, Orphanet 306, MedGen C1843140, MONDO:0011904, OMIM 607745.
Developmental and epileptic encephalopathy, 11 (DEE11). Also called: Early infantile epileptic encephalopathy 11. Identifiers: Orphanet 1934, MedGen C3150987, MONDO:0013388, OMIM 613721.

Allele frequency attached by ClinVar (database versions not stated): gnomAD exomes below 0.00001; TOPMed below 0.00001.
gnomAD v4.1: 6 of 1,614,012 alleles (0.00037%); highest among the groups gnomAD compares: Admixed American, 0.0017%; no homozygotes.

Submission:

Labcorp Genetics (formerly Invitae), Labcorp
Classification: Uncertain significance for Seizures, benign familial infantile, 3; Developmental and epileptic encephalopathy, 11. Last evaluated: 2024-04-16. Review status: criteria provided, single submitter. Criteria: Invitae Variant Classification Sherloc (09022015). Collection method: clinical testing. Allele origin: germline.
Comment: This sequence change replaces glycine, which is neutral and non-polar, with arginine, which is basic and polar, at codon 1071 of the SCN2A protein (p.Gly1071Arg). This variant is not present in population databases (gnomAD no frequency). This variant has not been reported in the literature in individuals affected with SCN2A-related conditions. ClinVar contains an entry for this variant (Variation ID: 206983). Advanced modeling of protein sequence and biophysical properties (such as structural, functional, and spatial information, amino acid conservation, physicochemical variation, residue mobility, and thermodynamic stability) performed at Invitae indicates that this missense variant is not expected to disrupt SCN2A protein function with a negative predictive value of 95%. In summary, the available evidence is currently insufficient to determine the role of this variant in disease. Therefore, it has been classified as a Variant of Uncertain Significance.

NM_001040142.2(SCN2A):c.3211G>A (p.Gly1071Arg)

Gene: SCN2A (sodium voltage-gated channel alpha subunit 2; plus strand). Cytogenetic location: 2q24.3.
Variant type: single nucleotide variant.
Coding change: c.3211G>A on transcript NM_001040142.2 (MANE Select); coding-DNA position 3211, G replaced by A.
Protein change: p.Gly1071Arg; replaces glycine 1071 with arginine.
Molecular consequence: missense variant.
Genome position (GRCh38, 1-based): chr2:165,354,483, G>A. VCF-style: chr2-165354483-G-A. GRCh37 (hg19) VCF-style: chr2-166210993-G-A.
Other names: c.3211G>A, p.Gly1071Arg (NM_001040143.2, NM_001371246.1, NM_001371247.1 and 1 more transcripts); short protein forms G1071R.
Identifiers: ClinVar variation 206983 (VCV000206983.10), dbSNP rs1553584033, ClinGen allele CA317915.